The following is an entry in ClinVar:

ClinVar aggregate classification (germline): Uncertain significance (1 of 4 stars; one submission).

Allele frequency attached by ClinVar (database versions not stated): ESP Exome Variant Server 0.00015; gnomAD 0.00015; ExAC 0.00020.

Submission:

Labcorp Genetics (formerly Invitae), Labcorp
Classification: Uncertain significance. Last evaluated: 2022-07-06. Review status: criteria provided, single submitter. Criteria: Invitae Variant Classification Sherloc (09022015). Collection method: clinical testing. Allele origin: germline.
Comment: This sequence change replaces valine, which is neutral and non-polar, with methionine, which is neutral and non-polar, at codon 657 of the MCM3AP protein (p.Val657Met). This variant is present in population databases (rs201240379, gnomAD 0.1%). This variant has not been reported in the literature in individuals affected with MCM3AP-related conditions. Algorithms developed to predict the effect of missense changes on protein structure and function are either unavailable or do not agree on the potential impact of this missense change (SIFT: "Deleterious"; PolyPhen-2: "Possibly Damaging"; Align-GVGD: "Class C0"). In summary, the available evidence is currently insufficient to determine the role of this variant in disease. Therefore, it has been classified as a Variant of Uncertain Significance.

NM_003906.5(MCM3AP):c.1969G>A (p.Val657Met)

Gene: MCM3AP (minichromosome maintenance complex component 3 associated protein; minus strand). Cytogenetic location: 21q22.3.
Variant type: single nucleotide variant.
Coding change: c.1969G>A on transcript NM_003906.5 (MANE Select); coding-DNA position 1969, G replaced by A.
Protein change: p.Val657Met; replaces valine 657 with methionine.
Molecular consequence: missense variant.
Genome position (GRCh38, 1-based): chr21:46,275,215, C>T on the plus strand (G>A on the coding strand, the complement: MCM3AP is on the minus strand). VCF-style: chr21-46275215-C-T. GRCh37 (hg19) VCF-style: chr21-47695129-C-T.
Other names: short protein forms V657M.
Identifiers: ClinVar variation 2186285 (VCV002186285.1), dbSNP rs201240379, ClinGen allele CA10076931.